The following is an entry in ClinVar:

ClinVar aggregate classification (germline): Uncertain significance (1 of 4 stars; one submission).

Conditions:
6-Pyruvoyl-tetrahydrobiopterin synthase deficiency. Also called: PTS DEFICIENCY; HYPERPHENYLALANINEMIA, TETRAHYDROBIOPTERIN-DEFICIENT, DUE TO PTS DEFICIENCY; PTS-Related Tetrahydrobiopterin Deficiency; 6-Pyruvoyltetrahydropterin Synthase Deficiency; Hyperphenylalanemia, BH4-deficient, A; Hyperphenylalaninemia due to 6-pyruvoyl-tetrahydropterin synthase deficiency. Identifiers: Orphanet 13, Orphanet 238583, MedGen C0878676, MONDO:0009863, OMIM 261640.

Submission:

Juno Genomics, Hangzhou Juno Genomics, Inc
Classification: Uncertain significance for 6-Pyruvoyl-tetrahydrobiopterin synthase deficiency. Review status: criteria provided, single submitter. Criteria: ACMG Guidelines, 2015. Collection method: clinical testing. Allele origin: germline.
Comment: Absent from controls (or at extremely low frequency if recessive) in Genome Aggregation Database.;Null variant in a gene where loss of function (LOF) is a known mechanism of disease.

NM_000317.3(PTS):c.244-2A>C

Gene: PTS (6-pyruvoyltetrahydropterin synthase; plus strand). Cytogenetic location: 11q23.1.
Variant type: single nucleotide variant.
Coding change: c.244-2A>C on transcript NM_000317.3 (MANE Select); the canonical splice acceptor site of the intron before coding-DNA position 244, A replaced by C.
Molecular consequence: splice acceptor variant.
Genome position (GRCh38, 1-based): chr11:112,233,161, A>C. VCF-style: chr11-112233161-A-C. GRCh37 (hg19) VCF-style: chr11-112103884-A-C.
Identifiers: ClinVar variation 5019880 (VCV005019880.2).